The following is an entry in ClinVar:

NM_000548.5(TSC2):c.4073C>A (p.Pro1358His)

Gene: TSC2 (TSC complex subunit 2; plus strand). Cytogenetic location: 16p13.3.
Variant type: single nucleotide variant.
Coding change: c.4073C>A on transcript NM_000548.5 (MANE Select); coding-DNA position 4073, C replaced by A.
Protein change: p.Pro1358His; replaces proline 1358 with histidine.
Molecular consequence: missense variant. On other transcripts: non-coding transcript variant (5).
Genome position (GRCh38, 1-based): chr16:2,084,295, C>A. VCF-style: chr16-2084295-C-A. GRCh37 (hg19) VCF-style: chr16-2134296-C-A.
Other names: c.3872C>A, p.Pro1291His (NM_001077183.3); c.4004C>A, p.Pro1335His (NM_001114382.3); c.3764C>A, p.Pro1255His (NM_001318827.2); c.3728C>A, p.Pro1243His (NM_001318829.2); c.3341C>A, p.Pro1114His (NM_001318831.2); c.3905C>A, p.Pro1302His (NM_001318832.2); c.3875C>A, p.Pro1292His (NM_001363528.2); c.3941C>A, p.Pro1314His (NM_001370404.1); and 26 more; short protein forms P1114H, P1291H, P1298H, P1322H, P1332H, P1335H, P866H, P887H.
Identifiers: ClinVar variation 5031377 (VCV005031377.1).

ClinVar aggregate classification (germline): Uncertain significance (1 of 4 stars; one submission).

Conditions:
Hereditary cancer-predisposing syndrome. Also called: Neoplastic Syndromes, Hereditary; Tumor predisposition; Hereditary neoplastic syndrome; Hereditary Cancer Syndrome. Identifiers: Orphanet 140162, MedGen C0027672, MeSH D009386, MONDO:0015356.

gnomAD v4.1: 1 of 1,612,472 alleles (0.000062%); highest among the groups gnomAD compares: African/African-American, 0.0013%; no homozygotes.

Submission:

Ambry Genetics
Classification: Uncertain significance for Hereditary cancer-predisposing syndrome. Last evaluated: 2026-08-07. Review status: criteria provided, single submitter. Criteria: Ambry Variant Classification Scheme 2023. Collection method: clinical testing. Allele origin: germline.
Comment: The p.P1358H variant (also known as c.4073C>A), located in coding exon 33 of the TSC2 gene, results from a C to A substitution at nucleotide position 4073. The proline at codon 1358 is replaced by histidine, an amino acid with similar properties. This amino acid position is conserved. In addition, this alteration is predicted to be deleterious by in silico analysis. Based on the available evidence, the clinical significance of this variant remains unclear.